The following is an entry in ClinVar:

NM_000238.4(KCNH2):c.2508C>G (p.Asp836Glu)

Gene: KCNH2 (potassium voltage-gated channel subfamily H member 2; minus strand). Cytogenetic location: 7q36.1.
Variant type: single nucleotide variant.
Coding change: c.2508C>G on transcript NM_000238.4 (MANE Select); coding-DNA position 2508, C replaced by G.
Protein change: p.Asp836Glu; replaces aspartic acid 836 with glutamic acid.
Molecular consequence: missense variant.
Genome position (GRCh38, 1-based): chr7:150,948,940, G>C on the plus strand (C>G on the coding strand, the complement: KCNH2 is on the minus strand). VCF-style: chr7-150948940-G-C. GRCh37 (hg19) VCF-style: chr7-150646028-G-C.
Other names: c.2220C>G, p.Asp740Glu (NM_001406753.1); c.1488C>G, p.Asp496Glu (NM_172057.3); short protein forms D496E, D836E, D740E.
Identifiers: ClinVar variation 2165581 (VCV002165581.1), dbSNP rs139295242, ClinGen allele CA369855012.

ClinVar aggregate classification (germline): Uncertain significance (1 of 4 stars; one submission).

Conditions:
Long QT syndrome (LQTS). Identifiers: MedGen C0023976, MeSH D008133, MONDO:0002442. Disease mechanism: loss of function. Inheritance: Various modes of inheritance.

Submission:

Labcorp Genetics (formerly Invitae), Labcorp
Classification: Uncertain significance for Long QT syndrome. Last evaluated: 2022-10-23. Review status: criteria provided, single submitter. Criteria: Invitae Variant Classification Sherloc (09022015). Collection method: clinical testing. Allele origin: germline.
Comment: This sequence change replaces aspartic acid, which is acidic and polar, with glutamic acid, which is acidic and polar, at codon 836 of the KCNH2 protein (p.Asp836Glu). This variant is not present in population databases (gnomAD no frequency). This variant has not been reported in the literature in individuals affected with KCNH2-related conditions. Algorithms developed to predict the effect of missense changes on protein structure and function (SIFT, PolyPhen-2, Align-GVGD) all suggest that this variant is likely to be tolerated. In summary, the available evidence is currently insufficient to determine the role of this variant in disease. Therefore, it has been classified as a Variant of Uncertain Significance.